The following is an entry in ClinVar:

NM_176824.3(BBS7):c.1516A>T (p.Met506Leu)

Gene: BBS7 (Bardet-Biedl syndrome 7; minus strand). Cytogenetic location: 4q27.
Variant type: single nucleotide variant.
Coding change: c.1516A>T on transcript NM_176824.3 (MANE Select); coding-DNA position 1516, A replaced by T.
Protein change: p.Met506Leu; replaces methionine 506 with leucine.
Molecular consequence: missense variant.
Genome position (GRCh38, 1-based): chr4:121,833,391, T>A on the plus strand (A>T on the coding strand, the complement: BBS7 is on the minus strand). VCF-style: chr4-121833391-T-A. GRCh37 (hg19) VCF-style: chr4-122754546-T-A.
Other names: c.1516A>T, p.Met506Leu (NM_018190.4); short protein forms M506L.
Identifiers: ClinVar variation 4998770 (VCV004998770.1).

ClinVar aggregate classification (germline): Uncertain significance (1 of 4 stars; one submission).

Conditions:
BBS7-related disorder. Also called: BBS7-related condition.

gnomAD v4.1: 7 of 1,613,948 alleles (0.00043%); highest among the groups gnomAD compares: Non-Finnish European, 0.00059%; no homozygotes.

Submission:

PreventionGenetics, part of Exact Sciences
Classification: Uncertain significance for BBS7-related condition. Last evaluated: 2026-07-06. Review status: criteria provided, single submitter. Criteria: ACMG Guidelines, 2015. Collection method: clinical testing. Allele origin: germline.
Comment: The BBS7 c.1516A>T variant is predicted to result in the amino acid substitution p.Met506Leu. To our knowledge, this variant has not been reported in the literature or in a large population database (gnomAD), indicating this variant is rare. At this time, the clinical significance of this variant is uncertain due to the absence of conclusive functional and genetic evidence.